The following is an entry in ClinVar:

ClinVar aggregate classification (germline): Uncertain significance (1 of 4 stars; one submission).

Allele frequency attached by ClinVar (database versions not stated): gnomAD exomes below 0.00001; TOPMed 0.00001.
gnomAD v4.1: 3 of 1,614,142 alleles (0.00019%); highest among the groups gnomAD compares: Non-Finnish European, 0.00025%; no homozygotes.

Submission:

GeneDx
Classification: Uncertain significance. Last evaluated: 2020-03-30. Review status: criteria provided, single submitter. Criteria: GeneDx Variant Classification Process June 2021. Collection method: clinical testing. Allele origin: germline. Affected: yes.
Comment: Not observed at a significant frequency in large population cohorts (Lek et al., 2016); In silico analysis supports that this missense variant has a deleterious effect on protein structure/function; This variant is associated with the following publications: (PMID: 15745925)

NM_001206744.2(TPO):c.2512T>A (p.Cys838Ser)

Genes: LALTOP (lung cancer associated lncRNA targeting TOP2A; minus strand), TPO (thyroid peroxidase; plus strand). Cytogenetic location: 2p25.3.
Variant type: single nucleotide variant.
Coding change: c.2512T>A on transcript NM_001206744.2 (MANE Select); coding-DNA position 2512, T replaced by A.
Protein change: p.Cys838Ser; replaces cysteine 838 with serine.
Molecular consequence: missense variant. On other transcripts: intron variant (1).
Genome position (GRCh38, 1-based): chr2:1,504,073, T>A. VCF-style: chr2-1504073-T-A. GRCh37 (hg19) VCF-style: chr2-1507845-T-A.
Other names: c.2512T>A, p.Cys838Ser (NM_000547.6); c.2341T>A, p.Cys781Ser (NM_001206745.2, NM_175719.4); c.1993T>A, p.Cys665Ser (NM_175722.3); c.2386+7308T>A (NM_175721.3); short protein forms C665S, C781S, C838S.
Identifiers: ClinVar variation 1303175 (VCV001303175.2), dbSNP rs1284809469, ClinGen allele CA345693618.